The following is an entry in ClinVar:

NM_006015.6(ARID1A):c.684C>A (p.Ala228=)

Genes: ARID1A (AT-rich interaction domain 1A; plus strand), LOC129929837 (ATAC-STARR-seq lymphoblastoid silent region 489; plus strand). Cytogenetic location: 1p36.11.
Variant type: single nucleotide variant.
Coding change: c.684C>A on transcript NM_006015.6 (MANE Select); coding-DNA position 684, C replaced by A.
Protein change: p.Ala228=; no amino-acid change (alanine 228 retained).
Molecular consequence: synonymous variant.
Genome position (GRCh38, 1-based): chr1:26,697,087, C>A. VCF-style: chr1-26697087-C-A. GRCh37 (hg19) VCF-style: chr1-27023578-C-A.
Other names: c.684C>A, p.Ala228= (NM_139135.4).
Identifiers: ClinVar variation 2870909 (VCV002870909.4), dbSNP rs1204913370, ClinGen allele CA416989889.

ClinVar aggregate classification (germline): Likely benign. Review status: criteria provided, multiple submitters, no conflicts (2 of 4 stars). 2 submissions from 2 submitters: Likely benign (2). Last evaluated 2026-09-01.

Submissions (2):

CeGaT Center for Human Genetics Tuebingen
Classification: Likely benign. Last evaluated: 2026-09-01. Review status: criteria provided, single submitter. Criteria: CeGaT Center For Human Genetics Tuebingen Variant Classification Criteria Version 2. Collection method: clinical testing. Allele origin: germline. Affected: yes. Observed: 1 variant allele.
Comment: ARID1A: PM2:Supporting, BP4, BP7

Labcorp Genetics (formerly Invitae), Labcorp
Classification: Likely benign. Last evaluated: 2023-06-09. Review status: criteria provided, single submitter. Criteria: Invitae Variant Classification Sherloc (09022015). Collection method: clinical testing. Allele origin: germline.